The following is an entry in ClinVar:

ClinVar aggregate classification (germline): Uncertain significance (1 of 4 stars; one submission).

Allele frequency attached by ClinVar (database versions not stated): gnomAD exomes below 0.00001.
gnomAD v4.1: 1 of 1,613,082 alleles (0.000062%); highest among the groups gnomAD compares: Non-Finnish European, 0.000085%; no homozygotes.

Submission:

Labcorp Genetics (formerly Invitae), Labcorp
Classification: Uncertain significance. Last evaluated: 2024-04-05. Review status: criteria provided, single submitter. Criteria: Invitae Variant Classification Sherloc (09022015). Collection method: clinical testing. Allele origin: germline.
Comment: This sequence change replaces glycine, which is neutral and non-polar, with valine, which is neutral and non-polar, at codon 137 of the RAI1 protein (p.Gly137Val). This variant is not present in population databases (gnomAD no frequency). This variant has not been reported in the literature in individuals affected with RAI1-related conditions. ClinVar contains an entry for this variant (Variation ID: 2063838). Advanced modeling of protein sequence and biophysical properties (such as structural, functional, and spatial information, amino acid conservation, physicochemical variation, residue mobility, and thermodynamic stability) performed at Invitae indicates that this missense variant is not expected to disrupt RAI1 protein function with a negative predictive value of 80%. In summary, the available evidence is currently insufficient to determine the role of this variant in disease. Therefore, it has been classified as a Variant of Uncertain Significance.

NM_030665.4(RAI1):c.410G>T (p.Gly137Val)

Gene: RAI1 (retinoic acid induced 1; plus strand). Cytogenetic location: 17p11.2.
Variant type: single nucleotide variant.
Coding change: c.410G>T on transcript NM_030665.4 (MANE Select); coding-DNA position 410, G replaced by T.
Protein change: p.Gly137Val; replaces glycine 137 with valine.
Molecular consequence: missense variant.
Genome position (GRCh38, 1-based): chr17:17,793,358, G>T. VCF-style: chr17-17793358-G-T. GRCh37 (hg19) VCF-style: chr17-17696672-G-T.
Other names: short protein forms G137V.
Identifiers: ClinVar variation 2063838 (VCV002063838.4), dbSNP rs2508568729, ClinGen allele CA398545393.
Genomic context (GRCh38, chr17:17,793,358, plus strand): 5'-GCCTTCAGGCTTGGGGGGCCCCACAGCCACCACCCCCACAGCCGCAGCCACTACCTGCAG[G>T]GGTGGCCAAGTATGATGAGAACTTGATGAAAAAGACAGCAGTGCCCCCCAGCAGGCAGTA-3'
Protein context (NP_109590.3, residues 127-147): PPPQPQPLPA[Gly137Val]VAKYDENLMK